The following is an entry in ClinVar:

ClinVar aggregate classification (germline): Pathogenic (1 of 4 stars; one submission).

Conditions:
Diastrophic dysplasia (DTD). Also called: Diastrophic dwarfism. Identifiers: Orphanet 628, MedGen C0220726, MONDO:0009107, OMIM 222600.
Atelosteogenesis type II (AO2). Also called: NEONATAL OSSEOUS DYSPLASIA I; Neonatal osseous dysplasia 1; SLC26A2-Related Atelosteogenesis. Identifiers: Orphanet 56304, MedGen C1850554, MONDO:0009727, OMIM 256050.
Multiple epiphyseal dysplasia type 4 (EDM4). Also called: Multiple Epiphyseal Dysplasia, Recessive; MULTIPLE EPIPHYSEAL DYSPLASIA WITH BILAYERED PATELLAE; MULTIPLE EPIPHYSEAL DYSPLASIA WITH CLUBFOOT; MULTIPLE EPIPHYSEAL DYSPLASIA, AUTOSOMAL RECESSIVE; SLC26A2-Related Multiple Epiphyseal Dysplasia. Identifiers: Orphanet 93307, MedGen C1847593, MONDO:0009189, OMIM 226900.
Achondrogenesis, type IB (ACG1B). Also called: Achondrogenesis Type 1B. Identifiers: Orphanet 932, Orphanet 93298, MedGen C0265274, MONDO:0010966, OMIM 600972.

Allele frequency attached by ClinVar (database versions not stated): gnomAD exomes below 0.00001.

Submission:

Labcorp Genetics (formerly Invitae), Labcorp
Classification: Pathogenic for Atelosteogenesis type II; Multiple epiphyseal dysplasia type 4; Achondrogenesis, type IB; Diastrophic dysplasia. Last evaluated: 2022-05-20. Review status: criteria provided, single submitter. Criteria: Invitae Variant Classification Sherloc (09022015). Collection method: clinical testing. Allele origin: germline.
Comment: This variant has not been reported in the literature in individuals affected with SLC26A2-related conditions. For these reasons, this variant has been classified as Pathogenic. This variant disrupts a region of the SLC26A2 protein in which other variant(s) (p.Phe709Serfs*27) have been determined to be pathogenic (Invitae). This suggests that this is a clinically significant region of the protein, and that variants that disrupt it are likely to be disease-causing. This variant is present in population databases (no rsID available, gnomAD 0.003%). This sequence change creates a premature translational stop signal (p.Thr436Leufs*24) in the SLC26A2 gene. While this is not anticipated to result in nonsense mediated decay, it is expected to disrupt the last 304 amino acid(s) of the SLC26A2 protein.

NM_000112.4(SLC26A2):c.1306del (p.Thr436fs)

Gene: SLC26A2 (solute carrier family 26 member 2; plus strand). Cytogenetic location: 5q32.
Variant type: Deletion.
Coding change: c.1306del on transcript NM_000112.4 (MANE Select); coding-DNA position 1306, one base deleted (A; older notation c.1306delA).
Protein change: p.Thr436fs; shifts the reading frame from threonine 436.
Molecular consequence: frameshift variant.
Genome position (GRCh38, 1-based): chr5:149,980,899, A deleted. VCF-style (leftmost placement, unchanged base first): chr5-149980898-TA-T. GRCh37 (hg19) VCF-style: chr5-149360461-TA-T.
Other names: short protein forms T436fs.
Identifiers: ClinVar variation 1456546 (VCV001456546.6), dbSNP rs1290183098, ClinGen allele CA563955690.